The following is an entry in ClinVar:

NM_006019.4(TCIRG1):c.2152A>G (p.Ile718Val)

Gene: TCIRG1 (T cell immune regulator 1, ATPase H+ transporting V0 subunit a3; plus strand). Cytogenetic location: 11q13.2.
Variant type: single nucleotide variant.
Coding change: c.2152A>G on transcript NM_006019.4 (MANE Select); coding-DNA position 2152, A replaced by G.
Protein change: p.Ile718Val; replaces isoleucine 718 with valine.
Molecular consequence: missense variant.
Genome position (GRCh38, 1-based): chr11:68,050,170, A>G. VCF-style: chr11-68050170-A-G. GRCh37 (hg19) VCF-style: chr11-67817637-A-G.
Other names: c.1258A>G, p.Ile420Val (NM_001351059.2); c.1504A>G, p.Ile502Val (NM_006053.4); short protein forms I420V, I502V, I718V.
Identifiers: ClinVar variation 3688052 (VCV003688052.1).

ClinVar aggregate classification (germline): Uncertain significance (1 of 4 stars; one submission).

Submission:

Labcorp Genetics (formerly Invitae), Labcorp
Classification: Uncertain significance. Last evaluated: 2024-07-01. Review status: criteria provided, single submitter. Criteria: Invitae Variant Classification Sherloc (09022015). Collection method: clinical testing. Allele origin: germline.
Comment: This sequence change replaces isoleucine, which is neutral and non-polar, with valine, which is neutral and non-polar, at codon 718 of the TCIRG1 protein (p.Ile718Val). This variant is not present in population databases (gnomAD no frequency). This variant has not been reported in the literature in individuals affected with TCIRG1-related conditions. Advanced modeling of protein sequence and biophysical properties (such as structural, functional, and spatial information, amino acid conservation, physicochemical variation, residue mobility, and thermodynamic stability) performed at Invitae indicates that this missense variant is not expected to disrupt TCIRG1 protein function with a negative predictive value of 80%. In summary, the available evidence is currently insufficient to determine the role of this variant in disease. Therefore, it has been classified as a Variant of Uncertain Significance.